The following is an entry in ClinVar:

ClinVar aggregate classification (germline): Uncertain significance (1 of 4 stars; one submission).

Submission:

GeneDx
Classification: Uncertain significance. Last evaluated: 2022-02-01. Review status: criteria provided, single submitter. Criteria: GeneDx Variant Classification Process June 2021. Collection method: clinical testing. Allele origin: germline. Affected: yes.
Comment: Not observed at significant frequency in large population cohorts (gnomAD); In silico analysis supports that this missense variant has a deleterious effect on protein structure/function; Has not been previously published as pathogenic or benign to our knowledge; This variant is associated with the following publications: (PMID: 22696272)

NM_000393.5(COL5A2):c.1691G>A (p.Gly564Glu)

Gene: COL5A2 (collagen type V alpha 2 chain; minus strand). Cytogenetic location: 2q32.2.
Variant type: single nucleotide variant.
Coding change: c.1691G>A on transcript NM_000393.5 (MANE Select); coding-DNA position 1691, G replaced by A.
Protein change: p.Gly564Glu; replaces glycine 564 with glutamic acid.
Molecular consequence: missense variant.
Genome position (GRCh38, 1-based): chr2:189,064,582, C>T on the plus strand (G>A on the coding strand, the complement: COL5A2 is on the minus strand). VCF-style: chr2-189064582-C-T. GRCh37 (hg19) VCF-style: chr2-189929308-C-T.
Other names: short protein forms G564E.
Identifiers: ClinVar variation 1700373 (VCV001700373.2), dbSNP rs2105594273, ClinGen allele CA349850517.